The following is an entry in ClinVar:

NM_000038.6(APC):c.3235A>G (p.Thr1079Ala)

Gene: APC (APC regulator of Wnt signaling pathway; plus strand). Cytogenetic location: 5q22.2.
Variant type: single nucleotide variant.
Coding change: c.3235A>G on transcript NM_000038.6 (MANE Select); coding-DNA position 3235, A replaced by G.
Protein change: p.Thr1079Ala; replaces threonine 1079 with alanine.
Molecular consequence: missense variant. On other transcripts: non-coding transcript variant (2).
Genome position (GRCh38, 1-based): chr5:112,838,829, A>G. VCF-style: chr5-112838829-A-G. GRCh37 (hg19) VCF-style: chr5-112174526-A-G.
Other names: c.3235A>G, p.Thr1079Ala (NM_001127510.3, NM_001354895.2, NM_001407450.1); c.3181A>G, p.Thr1061Ala (NM_001127511.3); c.3289A>G, p.Thr1097Ala (NM_001354896.2, NM_001407447.1, NM_001407448.1 and 1 more transcripts); c.3265A>G, p.Thr1089Ala (NM_001354897.2); c.3160A>G, p.Thr1054Ala (NM_001354898.2); c.3151A>G, p.Thr1051Ala (NM_001354899.2); c.3112A>G, p.Thr1038Ala (NM_001354900.2); c.3058A>G, p.Thr1020Ala (NM_001354901.2, NM_001407453.1); and 11 more; short protein forms T1020A, T1038A, T1051A, T1054A, T1061A, T1069A, T1072A, T1079A.
Identifiers: ClinVar variation 4801465 (VCV004801465.1).

ClinVar aggregate classification (germline): Uncertain significance (1 of 4 stars; one submission).

Conditions:
Familial adenomatous polyposis 1 (FAP1). Also called: FAMILIAL ADENOMATOUS POLYPOSIS 1, ATTENUATED; POLYPOSIS, ADENOMATOUS INTESTINAL. Identifiers: MedGen C2713442, MONDO:0021056, OMIM 175100. Disease mechanism: loss of function.

gnomAD v4.1: 3 of 1,614,170 alleles (0.00019%); highest among the groups gnomAD compares: Admixed American, 0.0017%; no homozygotes.

Submission:

Labcorp Genetics (formerly Invitae), Labcorp
Classification: Uncertain significance for Familial adenomatous polyposis 1. Last evaluated: 2025-10-12. Review status: criteria provided, single submitter. Criteria: Invitae Variant Classification Sherloc (09022015). Collection method: clinical testing. Allele origin: germline.
Comment: This sequence change replaces threonine, which is neutral and polar, with alanine, which is neutral and non-polar, at codon 1079 of the APC protein (p.Thr1079Ala). This variant is present in population databases (no rsID available, gnomAD 0.003%). This variant has not been reported in the literature in individuals affected with APC-related conditions. Invitae Evidence Modeling of protein sequence and biophysical properties (such as structural, functional, and spatial information, amino acid conservation, physicochemical variation, residue mobility, and thermodynamic stability) indicates that this missense variant is not expected to disrupt APC protein function with a negative predictive value of 95%. In summary, the available evidence is currently insufficient to determine the role of this variant in disease. Therefore, it has been classified as a Variant of Uncertain Significance.